The following is an entry in ClinVar:

ClinVar aggregate classification (germline): Uncertain significance (1 of 4 stars; one submission).

Conditions:
Hereditary hemorrhagic telangiectasia (HHT). Also called: Osler hemorrhagic telangiectasia syndrome; ORW DISEASE; Osler Weber Rendu syndrome; OSLER-RENDU-WEBER DISEASE. Identifiers: Orphanet 774, MedGen C0039445, MONDO:0019180. Disease mechanism: loss of function.

Allele frequency attached by ClinVar (database versions not stated): gnomAD exomes 0.00001; gnomAD 0.00003.
gnomAD v4.1: 13 of 1,614,004 alleles (0.00081%); highest among the groups gnomAD compares: Admixed American, 0.0067%; no homozygotes.

Submission:

Labcorp Genetics (formerly Invitae), Labcorp
Classification: Uncertain significance for Hereditary hemorrhagic telangiectasia. Last evaluated: 2025-03-11. Review status: criteria provided, single submitter. Criteria: Invitae Variant Classification Sherloc (09022015). Collection method: clinical testing. Allele origin: germline.
Comment: This sequence change replaces threonine, which is neutral and polar, with alanine, which is neutral and non-polar, at codon 73 of the ENG protein (p.Thr73Ala). This variant is present in population databases (rs545936016, gnomAD 0.006%). This variant has not been reported in the literature in individuals affected with ENG-related conditions. ClinVar contains an entry for this variant (Variation ID: 528050). An algorithm developed to predict the effect of missense changes on protein structure and function (PolyPhen-2) suggests that this variant is likely to be tolerated. In summary, the available evidence is currently insufficient to determine the role of this variant in disease. Therefore, it has been classified as a Variant of Uncertain Significance.

NM_001114753.3(ENG):c.217A>G (p.Thr73Ala)

Gene: ENG (endoglin; minus strand). Cytogenetic location: 9q34.11.
Variant type: single nucleotide variant.
Coding change: c.217A>G on transcript NM_001114753.3 (MANE Select); coding-DNA position 217, A replaced by G.
Protein change: p.Thr73Ala; replaces threonine 73 with alanine.
Molecular consequence: missense variant. On other transcripts: 5 prime UTR variant (1).
Genome position (GRCh38, 1-based): chr9:127,843,096, T>C on the plus strand (A>G on the coding strand, the complement: ENG is on the minus strand). VCF-style: chr9-127843096-T-C. GRCh37 (hg19) VCF-style: chr9-130605375-T-C.
Other names: c.217A>G, p.Thr73Ala (NM_000118.4, NM_001406715.1); c.-330A>G (NM_001278138.2); short protein forms T73A.
Identifiers: ClinVar variation 528050 (VCV000528050.10), dbSNP rs1472137141, ClinGen allele CA374988849.